The following is an entry in ClinVar:

NM_002661.5(PLCG2):c.695A>G (p.Asn232Ser)

Gene: PLCG2 (phospholipase C gamma 2; plus strand). Cytogenetic location: 16q23.3.
Variant type: single nucleotide variant.
Coding change: c.695A>G on transcript NM_002661.5 (MANE Select); coding-DNA position 695, A replaced by G.
Protein change: p.Asn232Ser; replaces asparagine 232 with serine.
Molecular consequence: missense variant.
Genome position (GRCh38, 1-based): chr16:81,883,271, A>G. VCF-style: chr16-81883271-A-G. GRCh37 (hg19) VCF-style: chr16-81916876-A-G.
Other names: short protein forms N232S.
Identifiers: ClinVar variation 2135639 (VCV002135639.4), dbSNP rs2507596658, ClinGen allele CA396908001.
Genomic context (GRCh38, chr16:81,883,271, plus strand): 5'-CTCGACTCCTCTGTTGAATGTGTCTGTCTCTAACTGCACCCCCTTTCCCCGAGGATAGGA[A>G]CACTGACAGGCCGGATGCCTCTGCTGTTTACCTGCATGACTTCCAGAGGTTTCTCATACA-3'
Protein context (NP_002652.2, residues 222-242): KKDSSVFILG[Asn232Ser]TDRPDASAVY

ClinVar aggregate classification (germline): Uncertain significance (1 of 4 stars; one submission).

Conditions:
Familial cold autoinflammatory syndrome 3 (FCAS3). Also called: FAMILIAL ATYPICAL COLD URTICARIA; ANTIBODY DEFICIENCY AND IMMUNE DYSREGULATION, PLCG2-ASSOCIATED. Identifiers: Orphanet 300359, MedGen C3280914, MONDO:0013766, OMIM 614468.

Submission:

Labcorp Genetics (formerly Invitae), Labcorp
Classification: Uncertain significance for Familial cold autoinflammatory syndrome 3. Last evaluated: 2022-05-08. Review status: criteria provided, single submitter. Criteria: Invitae Variant Classification Sherloc (09022015). Collection method: clinical testing. Allele origin: germline.
Comment: In summary, the available evidence is currently insufficient to determine the role of this variant in disease. Therefore, it has been classified as a Variant of Uncertain Significance. Algorithms developed to predict the effect of missense changes on protein structure and function output the following: SIFT: "Deleterious"; PolyPhen-2: "Benign"; Align-GVGD: "Class C0". The serine amino acid residue is found in multiple mammalian species, which suggests that this missense change does not adversely affect protein function. This variant has not been reported in the literature in individuals affected with PLCG2-related conditions. This variant is not present in population databases (gnomAD no frequency). This sequence change replaces asparagine, which is neutral and polar, with serine, which is neutral and polar, at codon 232 of the PLCG2 protein (p.Asn232Ser).